The following is an entry in ClinVar:

NM_178554.6(KY):c.1090+188G>A

Genes: CEP63 (centrosomal protein 63; plus strand), KY (kyphoscoliosis peptidase; minus strand). Cytogenetic location: 3q22.2.
Variant type: single nucleotide variant.
Coding change: c.1090+188G>A on transcript NM_178554.6 (MANE Select); 188 bases into the intron after coding-DNA position 1090, G replaced by A.
Molecular consequence: intron variant. On other transcripts: synonymous variant (2).
Genome position (GRCh38, 1-based): chr3:134,608,461, C>T on the plus strand (G>A on the coding strand, the complement: KY is on the minus strand). VCF-style: chr3-134608461-C-T. GRCh37 (hg19) VCF-style: chr3-134327303-C-T.
Other names: c.1152G>A, p.Gly384= (NM_001350860.2); c.1278G>A, p.Gly426= (NM_001366277.2); c.1042+188G>A (NM_001350859.2); c.1027+188G>A (NM_001366276.1).
Identifiers: ClinVar variation 3050371 (VCV003050371.2), dbSNP rs548777705, ClinGen allele CA2629081.

ClinVar aggregate classification (germline): Likely benign (0 of 4 stars; one submission).

Conditions:
KY-related disorder. Also called: KY-related condition.

Allele frequency attached by ClinVar (database versions not stated): gnomAD exomes 0.00013; ExAC 0.00024; gnomAD 0.00039; 1000 Genomes Project 30x 0.00078; 1000 Genomes Project 0.00080; TOPMed 0.00092.
gnomAD v4.1: 252 of 1,526,944 alleles (0.017%); highest among the groups gnomAD compares: Admixed American, 0.16%; no homozygotes.

Submission:

PreventionGenetics, part of Exact Sciences
Classification: Likely benign for KY-related condition. Last evaluated: 2019-07-12. Review status: no assertion criteria provided. Collection method: clinical testing. Allele origin: germline.
Comment: This variant is classified as likely benign based on ACMG/AMP sequence variant interpretation guidelines (Richards et al. 2015 PMID: 25741868, with internal and published modifications).